The following is an entry in ClinVar:

NM_005032.7(PLS3):c.1108G>A (p.Val370Met)

Gene: PLS3 (plastin 3; plus strand). Cytogenetic location: Xq23.
Variant type: single nucleotide variant.
Coding change: c.1108G>A on transcript NM_005032.7 (MANE Select); coding-DNA position 1108, G replaced by A.
Protein change: p.Val370Met; replaces valine 370 with methionine.
Molecular consequence: missense variant.
Genome position (GRCh38, 1-based): chrX:115,643,433, G>A. VCF-style: chrX-115643433-G-A. GRCh37 (hg19) VCF-style: chrX-114877745-G-A.
Other names: c.1108G>A, p.Val370Met (NM_001136025.5); c.1027G>A, p.Val343Met (NM_001172335.3); c.1069G>A, p.Val357Met (NM_001282337.2); c.973G>A, p.Val325Met (NM_001282338.2); short protein forms V343M, V357M, V325M, V370M.
Identifiers: ClinVar variation 2065860 (VCV002065860.4), dbSNP rs1556641275, ClinGen allele CA414335195.

ClinVar aggregate classification (germline): Uncertain significance (1 of 4 stars; one submission).

Allele frequency attached by ClinVar (database versions not stated): gnomAD 0.00001; TOPMed 0.00001; gnomAD exomes 0.00002.
gnomAD v4.1: 22 of 1,201,324 alleles (0.0018%); highest among the groups gnomAD compares: Non-Finnish European, 0.0023%; no homozygotes.

Submission:

Labcorp Genetics (formerly Invitae), Labcorp
Classification: Uncertain significance. Last evaluated: 2022-10-13. Review status: criteria provided, single submitter. Criteria: Invitae Variant Classification Sherloc (09022015). Collection method: clinical testing. Allele origin: germline.
Comment: This sequence change replaces valine, which is neutral and non-polar, with methionine, which is neutral and non-polar, at codon 370 of the PLS3 protein (p.Val370Met). This variant is present in population databases (no rsID available, gnomAD 0.02%), including at least one homozygous and/or hemizygous individual. This variant has not been reported in the literature in individuals affected with PLS3-related conditions. Advanced modeling of protein sequence and biophysical properties (such as structural, functional, and spatial information, amino acid conservation, physicochemical variation, residue mobility, and thermodynamic stability) has been performed at Invitae for this missense variant, however the output from this modeling did not meet the statistical confidence thresholds required to predict the impact of this variant on PLS3 protein function. In summary, the available evidence is currently insufficient to determine the role of this variant in disease. Therefore, it has been classified as a Variant of Uncertain Significance.